The following is an entry in ClinVar:

NM_015909.4(NBAS):c.2807T>C (p.Val936Ala)

Gene: NBAS (NBAS subunit of NRZ tethering complex; minus strand). Cytogenetic location: 2p24.3.
Variant type: single nucleotide variant.
Coding change: c.2807T>C on transcript NM_015909.4 (MANE Select); coding-DNA position 2807, T replaced by C.
Protein change: p.Val936Ala; replaces valine 936 with alanine.
Molecular consequence: missense variant. On other transcripts: non-coding transcript variant (1).
Genome position (GRCh38, 1-based): chr2:15,415,676, A>G on the plus strand (T>C on the coding strand, the complement: NBAS is on the minus strand). VCF-style: chr2-15415676-A-G. GRCh37 (hg19) VCF-style: chr2-15555800-A-G.
Other names: short protein forms V936A.
Identifiers: ClinVar variation 2081175 (VCV002081175.4), dbSNP rs139313921, ClinGen allele CA42628162.

ClinVar aggregate classification (germline): Uncertain significance (1 of 4 stars; one submission).

Allele frequency attached by ClinVar (database versions not stated): gnomAD 0.00001; TOPMed 0.00001; ESP Exome Variant Server 0.00008.
gnomAD v4.1: 1 of 1,614,104 alleles (0.000062%); highest among the groups gnomAD compares: Non-Finnish European, 0.000085%; no homozygotes.

Submission:

Labcorp Genetics (formerly Invitae), Labcorp
Classification: Uncertain significance. Last evaluated: 2022-07-05. Review status: criteria provided, single submitter. Criteria: Invitae Variant Classification Sherloc (09022015). Collection method: clinical testing. Allele origin: germline.
Comment: In summary, the available evidence is currently insufficient to determine the role of this variant in disease. Therefore, it has been classified as a Variant of Uncertain Significance. Algorithms developed to predict the effect of missense changes on protein structure and function are either unavailable or do not agree on the potential impact of this missense change (SIFT: "Deleterious"; PolyPhen-2: "Benign"; Align-GVGD: "Class C55"). This variant has not been reported in the literature in individuals affected with NBAS-related conditions. This variant is present in population databases (rs139313921, gnomAD 0.007%). This sequence change replaces valine, which is neutral and non-polar, with alanine, which is neutral and non-polar, at codon 936 of the NBAS protein (p.Val936Ala).